The following is an entry in ClinVar:

GRCh38/hg38 16p12.1(chr16:26966063-28234594)x3

Genes: C16orf82 (chromosome 16 open reading frame 82; plus strand), GSG1L (GSG1 like; minus strand), GTF3C1 (general transcription factor IIIC subunit 1; minus strand), IL21R (interleukin 21 receptor; plus strand), IL21R-AS1 (IL21R antisense RNA 1; minus strand) and 56 more. Cytogenetic location: 16p12.1.
Variant type: copy number gain.
Change: copy number 3 (three copies instead of two) of chr16:26,966,063-28,234,594 (1.27 Mb, GRCh38 coordinates, 1-based), cytogenetic band 16p12.1.
Identifiers: ClinVar variation 59989 (VCV000059989.1).

ClinVar aggregate classification (germline): Uncertain significance (1 of 4 stars; one submission).

Submission:

ISCA site 17
Classification: Uncertain significance. Last evaluated: 2011-08-12. Review status: criteria provided, single submitter. Criteria: Kaminsky et al. (Genet Med. 2011). Collection method: clinical testing. Allele origin: unknown. Affected: yes. Observed: 1 variant allele.
Comment: Copy number variation identified through the course of routine clinical cytogenomic testing in postnatal populations. Clinical assertions have been curated as described in Kaminsky et al. 2011.